The following is an entry in ClinVar:

ClinVar aggregate classification (germline): Likely benign (1 of 4 stars; one submission).

Allele frequency attached by ClinVar (database versions not stated): gnomAD exomes below 0.00001.
gnomAD v4.1: 2 of 1,613,828 alleles (0.00012%); highest among the groups gnomAD compares: Non-Finnish European, 0.000085%; no homozygotes.

Submission:

CeGaT Center for Human Genetics Tuebingen
Classification: Likely benign. Last evaluated: 2024-02-01. Review status: criteria provided, single submitter. Criteria: CeGaT Center For Human Genetics Tuebingen Variant Classification Criteria Version 2. Collection method: clinical testing. Allele origin: germline. Affected: yes. Observed: 1 variant allele.
Comment: POLH: PM2:Supporting, BP4, BP7

NM_006502.3(POLH):c.1131C>T (p.Arg377=)

Gene: POLH (DNA polymerase eta; plus strand). Cytogenetic location: 6p21.1.
Variant type: single nucleotide variant.
Coding change: c.1131C>T on transcript NM_006502.3 (MANE Select); coding-DNA position 1131, C replaced by T.
Protein change: p.Arg377=; no amino-acid change (arginine 377 retained).
Molecular consequence: synonymous variant.
Genome position (GRCh38, 1-based): chr6:43,610,610, C>T. VCF-style: chr6-43610610-C-T. GRCh37 (hg19) VCF-style: chr6-43578347-C-T.
Other names: c.759C>T, p.Arg253= (NM_001291969.2); c.1131C>T, p.Arg377= (NM_001291970.2).
Identifiers: ClinVar variation 3027177 (VCV003027177.21), dbSNP rs1767791464, ClinGen allele CA450284782.